The following is an entry in ClinVar:

NM_031310.3(PLVAP):c.130G>A (p.Val44Met)

Gene: PLVAP (plasmalemma vesicle associated protein; minus strand). Cytogenetic location: 19p13.11.
Variant type: single nucleotide variant.
Coding change: c.130G>A on transcript NM_031310.3 (MANE Select); coding-DNA position 130, G replaced by A.
Protein change: p.Val44Met; replaces valine 44 with methionine.
Molecular consequence: missense variant.
Genome position (GRCh38, 1-based): chr19:17,377,159, C>T on the plus strand (G>A on the coding strand, the complement: PLVAP is on the minus strand). VCF-style: chr19-17377159-C-T. GRCh37 (hg19) VCF-style: chr19-17487968-C-T.
Other names: c.130G>A (NM_031310.1); short protein forms V44M.
Identifiers: ClinVar variation 2152550 (VCV002152550.2), dbSNP rs1050804005, ClinGen allele CA404685829.

ClinVar aggregate classification (germline): Uncertain significance. Review status: criteria provided, multiple submitters, no conflicts (2 of 4 stars). 2 submissions from 2 submitters: Uncertain significance (2). Last evaluated 2024-09-30.

Conditions:
Inborn genetic diseases. Identifiers: MedGen C0950123, MeSH D030342.

Submissions (2):

Ambry Genetics
Classification: Uncertain significance for Inborn genetic diseases. Last evaluated: 2024-09-30. Review status: criteria provided, single submitter. Criteria: Ambry Variant Classification Scheme 2023. Collection method: clinical testing. Allele origin: germline.

Labcorp Genetics (formerly Invitae), Labcorp
Classification: Uncertain significance. Last evaluated: 2022-04-06. Review status: criteria provided, single submitter. Criteria: Invitae Variant Classification Sherloc (09022015). Collection method: clinical testing. Allele origin: germline.
Comment: This sequence change replaces valine, which is neutral and non-polar, with methionine, which is neutral and non-polar, at codon 44 of the PLVAP protein (p.Val44Met). This variant is present in population databases (no rsID available, gnomAD 0.006%). This variant has not been reported in the literature in individuals affected with PLVAP-related conditions. Algorithms developed to predict the effect of missense changes on protein structure and function are either unavailable or do not agree on the potential impact of this missense change (SIFT: "Deleterious"; PolyPhen-2: "Probably Damaging"; Align-GVGD: "Class C15"). In summary, the available evidence is currently insufficient to determine the role of this variant in disease. Therefore, it has been classified as a Variant of Uncertain Significance.